The following is an entry in ClinVar:

ClinVar aggregate classification (germline): Uncertain significance (1 of 4 stars; one submission).

Allele frequency attached by ClinVar (database versions not stated): gnomAD exomes 0.00002; ExAC 0.00002; gnomAD 0.00004; TOPMed 0.00010.
gnomAD v4.1: 33 of 1,614,150 alleles (0.002%); highest among the groups gnomAD compares: Admixed American, 0.018%; no homozygotes.

Submission:

Labcorp Genetics (formerly Invitae), Labcorp
Classification: Uncertain significance. Last evaluated: 2025-10-27. Review status: criteria provided, single submitter. Criteria: Invitae Variant Classification Sherloc (09022015). Collection method: clinical testing. Allele origin: germline.
Comment: This sequence change replaces leucine, which is neutral and non-polar, with phenylalanine, which is neutral and non-polar, at codon 1148 of the PLXNA2 protein (p.Leu1148Phe). This variant is present in population databases (rs747914606, gnomAD 0.01%). This variant has not been reported in the literature in individuals affected with PLXNA2-related conditions. ClinVar contains an entry for this variant (Variation ID: 2988554). Invitae Evidence Modeling of protein sequence and biophysical properties (such as structural, functional, and spatial information, amino acid conservation, physicochemical variation, residue mobility, and thermodynamic stability) indicates that this missense variant is not expected to disrupt PLXNA2 protein function with a negative predictive value of 80%. In summary, the available evidence is currently insufficient to determine the role of this variant in disease. Therefore, it has been classified as a Variant of Uncertain Significance.

NM_025179.4(PLXNA2):c.3442C>T (p.Leu1148Phe)

Gene: PLXNA2 (plexin A2; minus strand). Cytogenetic location: 1q32.2.
Variant type: single nucleotide variant.
Coding change: c.3442C>T on transcript NM_025179.4 (MANE Select); coding-DNA position 3442, C replaced by T.
Protein change: p.Leu1148Phe; replaces leucine 1148 with phenylalanine.
Molecular consequence: missense variant.
Genome position (GRCh38, 1-based): chr1:208,045,931, G>A on the plus strand (C>T on the coding strand, the complement: PLXNA2 is on the minus strand). VCF-style: chr1-208045931-G-A. GRCh37 (hg19) VCF-style: chr1-208219276-G-A.
Other names: short protein forms L1148F.
Identifiers: ClinVar variation 2988554 (VCV002988554.3), dbSNP rs747914606, ClinGen allele CA1373195.
Genomic context (GRCh38, chr1:208,045,931, plus strand): 5'-CTCCTACCTTCAGAATGATGGGCGATCCTGGCTTTTGATCCAAGACTCCAGTAGGGCTAA[G>A]CAGTTCAAAGGTCGGGTTGGGGTAGTAGATAAACTTGGTGTCGTTGTAAATTAGCAAGGA-3'
Protein context (NP_079455.3, residues 1138-1158): IYYPNPTFEL[Leu1148Phe]SPTGVLDQKP